The following is an entry in ClinVar:

NM_004172.5(SLC1A3):c.1301C>T (p.Thr434Ile)

Genes: SLC1A3 (solute carrier family 1 member 3; plus strand), SLC1A3-AS1 (SLC1A3 antisense RNA 1; minus strand). Cytogenetic location: 5p13.2.
Variant type: single nucleotide variant.
Coding change: c.1301C>T on transcript NM_004172.5 (MANE Select); coding-DNA position 1301, C replaced by T.
Protein change: p.Thr434Ile; replaces threonine 434 with isoleucine.
Molecular consequence: missense variant. On other transcripts: intron variant (1).
Genome position (GRCh38, 1-based): chr5:36,683,875, C>T. VCF-style: chr5-36683875-C-T. GRCh37 (hg19) VCF-style: chr5-36683977-C-T.
Other names: c.1163C>T, p.Thr388Ile (NM_001289939.2); c.965C>T, p.Thr322Ile (NM_001289940.2); c.1290-2190C>T (NM_001166695.3); short protein forms T388I, T322I, T434I.
Identifiers: ClinVar variation 1046714 (VCV001046714.8), dbSNP rs1742538697, ClinGen allele CA359609734.
Genomic context (GRCh38, chr5:36,683,875, plus strand): 5'-GTGGGGAGCTTTGTAAAAGTGTTTTCTGTTCTGGTACTTCTGTTAACAGCATCACAGCCA[C>T]AGCTGCCAGTATTGGGGCAGCTGGAATTCCTCAGGCGGGCCTGGTCACTATGGTCATTGT-3'
Protein context (NP_004163.3, residues 424-444): GQIITISITA[Thr434Ile]AASIGAAGIP

ClinVar aggregate classification (germline): Uncertain significance (1 of 4 stars; one submission).

Submission:

Labcorp Genetics (formerly Invitae), Labcorp
Classification: Uncertain significance. Last evaluated: 2020-08-27. Review status: criteria provided, single submitter. Criteria: Invitae Variant Classification Sherloc (09022015). Collection method: clinical testing. Allele origin: germline.
Comment: In summary, the available evidence is currently insufficient to determine the role of this variant in disease. Therefore, it has been classified as a Variant of Uncertain Significance. Algorithms developed to predict the effect of missense changes on protein structure and function are either unavailable or do not agree on the potential impact of this missense change (SIFT: "Deleterious"; PolyPhen-2: "Probably Damaging"; Align-GVGD: "Class C0"). This variant has not been reported in the literature in individuals with SLC1A3-related conditions. This variant is not present in population databases (ExAC no frequency). This sequence change replaces threonine with isoleucine at codon 434 of the SLC1A3 protein (p.Thr434Ile). The threonine residue is highly conserved and there is a moderate physicochemical difference between threonine and isoleucine.